The following is an entry in ClinVar:

ClinVar aggregate classification (germline): Uncertain significance. Review status: criteria provided, multiple submitters, no conflicts (2 of 4 stars). 2 submissions from 2 submitters: Uncertain significance (2). Last evaluated 2025-04-14.

Conditions:
Inborn genetic diseases. Identifiers: MedGen C0950123, MeSH D030342.

Submissions (2):

Ambry Genetics
Classification: Uncertain significance for Inborn genetic diseases. Last evaluated: 2025-04-14. Review status: criteria provided, single submitter. Criteria: Ambry Variant Classification Scheme 2023. Collection method: clinical testing. Allele origin: germline.

Labcorp Genetics (formerly Invitae), Labcorp
Classification: Uncertain significance. Last evaluated: 2023-09-07. Review status: criteria provided, single submitter. Criteria: Invitae Variant Classification Sherloc (09022015). Collection method: clinical testing. Allele origin: germline.
Comment: In summary, the available evidence is currently insufficient to determine the role of this variant in disease. Therefore, it has been classified as a Variant of Uncertain Significance. This sequence change replaces proline, which is neutral and non-polar, with leucine, which is neutral and non-polar, at codon 2252 of the PCLO protein (p.Pro2252Leu). This variant is not present in population databases (gnomAD no frequency). This variant has not been reported in the literature in individuals affected with PCLO-related conditions. ClinVar contains an entry for this variant (Variation ID: 2109359). Algorithms developed to predict the effect of missense changes on protein structure and function output the following: SIFT: "Not Available"; PolyPhen-2: "Not Available"; Align-GVGD: "Not Available". The leucine amino acid residue is found in multiple mammalian species, which suggests that this missense change does not adversely affect protein function.

NM_033026.6(PCLO):c.6755C>T (p.Pro2252Leu)

Gene: PCLO (piccolo presynaptic cytomatrix protein; minus strand). Cytogenetic location: 7q21.11.
Variant type: single nucleotide variant.
Coding change: c.6755C>T on transcript NM_033026.6 (MANE Select); coding-DNA position 6755, C replaced by T.
Protein change: p.Pro2252Leu; replaces proline 2252 with leucine.
Molecular consequence: missense variant.
Genome position (GRCh38, 1-based): chr7:82,954,198, G>A on the plus strand (C>T on the coding strand, the complement: PCLO is on the minus strand). VCF-style: chr7-82954198-G-A. GRCh37 (hg19) VCF-style: chr7-82583514-G-A.
Other names: c.6755C>T, p.Pro2252Leu (NM_014510.3); c.6755C>T (NM_033026.5); short protein forms P2252L.
Identifiers: ClinVar variation 2109359 (VCV002109359.5), dbSNP rs1471254996, ClinGen allele CA367918417.